The following is an entry in ClinVar:

ClinVar aggregate classification (germline): Likely benign. Review status: criteria provided, multiple submitters, no conflicts (2 of 4 stars). 2 submissions from 2 submitters: Likely benign (2). Last evaluated 2025-10-08.

Conditions:
Familial hemophagocytic lymphohistiocytosis 3 (FHL3). Also called: UNC13D-Related Familial Hemophagocytic Lymphohistiocytosis (UNC13D-fHLH). Identifiers: Orphanet 540, MedGen C1837174, MONDO:0012146, OMIM 608898.

Allele frequency attached by ClinVar (database versions not stated): gnomAD 0.00001.

Submissions (2):

Labcorp Genetics (formerly Invitae), Labcorp
Classification: Likely benign for Familial hemophagocytic lymphohistiocytosis 3. Last evaluated: 2025-10-08. Review status: criteria provided, single submitter. Criteria: Invitae Variant Classification Sherloc (09022015). Collection method: clinical testing. Allele origin: germline.

Women's Health and Genetics/Laboratory Corporation of America, LabCorp
Classification: Likely benign. Last evaluated: 2024-05-29. Review status: criteria provided, single submitter. Criteria: LabCorp Variant Classification Summary - May 2015. Collection method: clinical testing. Allele origin: germline.
Comment: Variant summary: UNC13D c.2448-13G>C alters a non-conserved nucleotide located at a position not widely known to affect splicing. Consensus agreement among computation tools predict no significant impact on normal splicing. However, these predictions have yet to be confirmed by functional studies. The variant allele was found at a frequency of 8.3e-06 in 239744 control chromosomes. The available data on variant occurrences in the general population are insufficient to allow any conclusion about variant significance. To our knowledge, no occurrence of c.2448-13G>C in individuals affected with Familial Hemophagocytic Lymphohistiocytosis and no experimental evidence demonstrating its impact on protein function have been reported. ClinVar contains an entry for this variant (Variation ID: 3015642). Based on the evidence outlined above, the variant was classified as likely benign.

NM_199242.3(UNC13D):c.2448-13G>C

Gene: UNC13D (unc-13 homolog D; minus strand). Cytogenetic location: 17q25.1.
Variant type: single nucleotide variant.
Coding change: c.2448-13G>C on transcript NM_199242.3 (MANE Select); 13 bases into the intron before coding-DNA position 2448, G replaced by C.
Molecular consequence: intron variant.
Genome position (GRCh38, 1-based): chr17:75,831,361, C>G on the plus strand (G>C on the coding strand, the complement: UNC13D is on the minus strand). VCF-style: chr17-75831361-C-G. GRCh37 (hg19) VCF-style: chr17-73827442-C-G.
Identifiers: ClinVar variation 3015642 (VCV003015642.4), dbSNP rs753762300, ClinGen allele CA627420001.